The following is an entry in ClinVar:

NM_080424.4(SP110):c.1985G>A (p.Arg662Gln)

Gene: SP110 (SP110 nuclear body protein; minus strand). Cytogenetic location: 2q37.1.
Variant type: single nucleotide variant.
Coding change: c.1985G>A on transcript NM_080424.4 (MANE Select); coding-DNA position 1985, G replaced by A.
Protein change: p.Arg662Gln; replaces arginine 662 with glutamine.
Molecular consequence: missense variant. On other transcripts: intron variant (1).
Genome position (GRCh38, 1-based): chr2:230,170,664, C>T on the plus strand (G>A on the coding strand, the complement: SP110 is on the minus strand). VCF-style: chr2-230170664-C-T. GRCh37 (hg19) VCF-style: chr2-231035380-C-T.
Other names: c.2081G>A, p.Arg694Gln (NM_001378442.1); c.2063G>A, p.Arg688Gln (NM_001378443.1); c.2003G>A, p.Arg668Gln (NM_001378444.1); c.1931G>A, p.Arg644Gln (NM_001378445.1); c.1913G>A, p.Arg638Gln (NM_004509.5); c.1833+1402G>A (NM_001378446.1); short protein forms R644Q, R668Q, R688Q, R694Q, R638Q, R662Q.
Identifiers: ClinVar variation 895366 (VCV000895366.13), dbSNP rs200397055, ClinGen allele CA2154282.
Genomic context (GRCh38, chr2:230,170,664, plus strand): 5'-CAGGAAATGCTCTTTACCTTGTAAAATGTTTTATGGTTGCGAAACATCAGGCGCATGTCT[C>T]GCACAAACCATGCCACCGTGTACATTTCCGTAATCAGCCTTTCCTTAACCAGGTCCAACC-3'
Protein context (NP_536349.3, residues 652-672): TEMYTVAWFV[Arg662Gln]DMRLMFRNHK

ClinVar aggregate classification (germline): Uncertain significance. Review status: criteria provided, multiple submitters, no conflicts (2 of 4 stars). 3 submissions from 3 submitters: Uncertain significance (3). Last evaluated 2026-01-22.

Conditions:
Inborn genetic diseases. Identifiers: MedGen C0950123, MeSH D030342.
Hepatic veno-occlusive disease-immunodeficiency syndrome. Also called: Hepatic Veno-Occlusive Disease with Immunodeficiency. Identifiers: Orphanet 79124, MedGen C1856128, MONDO:0009338, OMIM 235550. Disease mechanism: loss of function.

Allele frequency attached by ClinVar (database versions not stated): TOPMed 0.00004; gnomAD 0.00005 and 0.00006; gnomAD exomes 0.00005.
gnomAD v4.1: 86 of 1,614,020 alleles (0.0053%); highest among the groups gnomAD compares: South Asian, 0.0066%; 1 homozygote.

Submissions (3):

Labcorp Genetics (formerly Invitae), Labcorp
Classification: Uncertain significance for Hepatic veno-occlusive disease-immunodeficiency syndrome. Last evaluated: 2026-01-22. Review status: criteria provided, single submitter. Criteria: Invitae Variant Classification Sherloc (09022015). Collection method: clinical testing. Allele origin: germline.
Comment: This sequence change replaces arginine, which is basic and polar, with glutamine, which is neutral and polar, at codon 638 of the SP110 protein (p.Arg638Gln). This variant is present in population databases (rs200397055, gnomAD 0.1%). This variant has not been reported in the literature in individuals affected with SP110-related conditions. ClinVar contains an entry for this variant (Variation ID: 895366). An algorithm developed to predict the effect of missense changes on protein structure and function outputs the following: PolyPhen-2: "Possibly Damaging". The glutamine amino acid residue is found in multiple mammalian species, which suggests that this missense change does not adversely affect protein function. In summary, the available evidence is currently insufficient to determine the role of this variant in disease. Therefore, it has been classified as a Variant of Uncertain Significance.

Ambry Genetics
Classification: Uncertain significance for Inborn genetic diseases. Last evaluated: 2023-07-11. Review status: criteria provided, single submitter. Criteria: Ambry Variant Classification Scheme 2023. Collection method: clinical testing. Allele origin: germline.

Illumina Laboratory Services, Illumina
Classification: Uncertain significance for Hepatic veno-occlusive disease-immunodeficiency syndrome. Last evaluated: 2018-01-13. Review status: criteria provided, single submitter. Criteria: ICSL Variant Classification Criteria 13 December 2019. Collection method: clinical testing. Allele origin: germline.